The following is an entry in ClinVar:

NM_001365276.2(TNXB):c.7792C>T (p.Arg2598Cys)

Gene: TNXB (tenascin XB; minus strand). Cytogenetic location: 6p21.33.
Variant type: single nucleotide variant.
Coding change: c.7792C>T on transcript NM_001365276.2 (MANE Select); coding-DNA position 7792, C replaced by T.
Protein change: p.Arg2598Cys; replaces arginine 2598 with cysteine.
Molecular consequence: missense variant.
Genome position (GRCh38, 1-based): chr6:32,058,091, G>A on the plus strand (C>T on the coding strand, the complement: TNXB is on the minus strand). VCF-style: chr6-32058091-G-A. GRCh37 (hg19) VCF-style: chr6-32025868-G-A.
Other names: c.8533C>T, p.Arg2845Cys (NM_001428335.1); c.7792C>T, p.Arg2598Cys (NM_019105.8); c.7792C>T (NM_019105.6); short protein forms R2598C, R2845C.
Identifiers: ClinVar variation 3769475 (VCV003769475.3).

ClinVar aggregate classification (germline): Uncertain significance. Review status: criteria provided, multiple submitters, no conflicts (2 of 4 stars). 2 submissions from 2 submitters: Uncertain significance (2). Last evaluated 2025-09-07.

Conditions:
Cardiovascular phenotype. Identifiers: MedGen CN230736.

gnomAD v4.1: 42 of 1,611,210 alleles (0.0026%); highest among the groups gnomAD compares: East Asian, 0.016%; no homozygotes.

Submissions (2):

Ambry Genetics
Classification: Uncertain significance for Cardiovascular phenotype. Last evaluated: 2025-09-07. Review status: criteria provided, single submitter. Criteria: Ambry Variant Classification Scheme 2023. Collection method: clinical testing. Allele origin: germline.
Comment: The p.R2598C variant (also known as c.7792C>T), located in coding exon 21 of the TNXB gene, results from a C to T substitution at nucleotide position 7792. The arginine at codon 2598 is replaced by cysteine, an amino acid with highly dissimilar properties. This amino acid position is conserved. In addition, this alteration is predicted to be tolerated by in silico analysis. Based on the available evidence, the clinical significance of this variant remains unclear.

Women's Health and Genetics/Laboratory Corporation of America, LabCorp
Classification: Uncertain significance. Last evaluated: 2025-01-23. Review status: criteria provided, single submitter. Criteria: LabCorp Variant Classification Summary - May 2015. Collection method: clinical testing. Allele origin: germline.
Comment: Variant summary: TNXB c.7792C>T (p.Arg2598Cys) results in a non-conservative amino acid change located in the Fibronectin type-III domain profile (IPR003961) of the encoded protein sequence. Three of five in-silico tools predict a damaging effect of the variant on protein function. The variant allele was found at a frequency of 5.7e-05 in 245246 control chromosomes. This frequency is not significantly higher than estimated for a pathogenic variant in TNXB causing Ehlers-Danlos syndrome due to tenascin-X deficiency (5.7e-05 vs 0.0011), allowing no conclusion about variant significance. To our knowledge, no occurrence of c.7792C>T in individuals affected with Ehlers-Danlos syndrome due to tenascin-X deficiency and no experimental evidence demonstrating its impact on protein function have been reported. No submitters have cited clinical-significance assessments for this variant to ClinVar. Based on the evidence outlined above, the variant was classified as uncertain significance.